The following is an entry in ClinVar:

ClinVar aggregate classification (germline): Likely benign (1 of 4 stars; one submission).

Allele frequency attached by ClinVar (database versions not stated): TOPMed 0.00072; gnomAD 0.00073.
gnomAD v4.1: 109 of 152,172 alleles (0.072%); highest among the groups gnomAD compares: Admixed American, 0.22%; no homozygotes.

Submission:

CeGaT Center for Human Genetics Tuebingen
Classification: Likely benign. Last evaluated: 2022-11-01. Review status: criteria provided, single submitter. Criteria: CeGaT Center For Human Genetics Tuebingen Variant Classification Criteria Version 2. Collection method: clinical testing. Allele origin: germline. Affected: yes. Observed: 2 variant alleles.
Comment: RAF1: BS1

NM_002880.4(RAF1):c.835-1599G>T

Gene: RAF1 (Raf-1 proto-oncogene, serine/threonine kinase; minus strand). Cytogenetic location: 3p25.2.
Variant type: single nucleotide variant.
Coding change: c.835-1599G>T on transcript NM_002880.4 (MANE Select); 1599 bases into the intron before coding-DNA position 835, G replaced by T.
Molecular consequence: intron variant.
Genome position (GRCh38, 1-based): chr3:12,602,014, C>A on the plus strand (G>T on the coding strand, the complement: RAF1 is on the minus strand). VCF-style: chr3-12602014-C-A. GRCh37 (hg19) VCF-style: chr3-12643513-C-A.
Other names: c.493-1599G>T (NM_001354695.3); c.592-1599G>T (NM_001354692.3, NM_001354691.3); c.651+1464G>T (NM_001354694.3); c.736-1599G>T (NM_001354693.3); c.894+1464G>T (NM_001354689.3); c.835-1599G>T (NM_001354690.3).
Identifiers: ClinVar variation 1879573 (VCV001879573.29), dbSNP rs750806254, ClinGen allele CA69618061.